The following is an entry in ClinVar:

ClinVar aggregate classification (germline): Uncertain significance (1 of 4 stars; one submission).

gnomAD v4.1: 1 of 1,606,106 alleles (0.000062%); highest among the groups gnomAD compares: Non-Finnish European, 0.000085%; no homozygotes.

Submission:

Labcorp Genetics (formerly Invitae), Labcorp
Classification: Uncertain significance. Last evaluated: 2023-10-03. Review status: criteria provided, single submitter. Criteria: Invitae Variant Classification Sherloc (09022015). Collection method: clinical testing. Allele origin: germline.
Comment: This sequence change affects codon 26 of the CAD mRNA. It is a 'silent' change, meaning that it does not change the encoded amino acid sequence of the CAD protein. This variant is not present in population databases (gnomAD no frequency). This variant has not been reported in the literature in individuals affected with CAD-related conditions. ClinVar contains an entry for this variant (Variation ID: 1431446). Algorithms developed to predict the effect of sequence changes on RNA splicing suggest that this variant may create or strengthen a splice site. In summary, the available evidence is currently insufficient to determine the role of this variant in disease. Therefore, it has been classified as a Variant of Uncertain Significance.

NM_004341.5(CAD):c.78A>G (p.Glu26=)

Gene: CAD (carbamoyl-phosphate synthetase 2, aspartate transcarbamylase, and dihydroorotase; plus strand). Cytogenetic location: 2p23.3.
Variant type: single nucleotide variant.
Coding change: c.78A>G on transcript NM_004341.5 (MANE Select); coding-DNA position 78, A replaced by G.
Protein change: p.Glu26=; no amino-acid change (glutamic acid 26 retained).
Molecular consequence: synonymous variant.
Genome position (GRCh38, 1-based): chr2:27,217,629, A>G. VCF-style: chr2-27217629-A-G. GRCh37 (hg19) VCF-style: chr2-27440497-A-G.
Other names: c.78A>G, p.Glu26= (NM_001306079.2).
Identifiers: ClinVar variation 1431446 (VCV001431446.8), dbSNP rs2148050385, ClinGen allele CA425379205.